The following is an entry in ClinVar:

NM_016139.4(CHCHD2):c.196G>A (p.Val66Met)

Gene: CHCHD2 (coiled-coil-helix-coiled-coil-helix domain containing 2; minus strand). Cytogenetic location: 7p11.2.
Variant type: single nucleotide variant.
Coding change: c.196G>A on transcript NM_016139.4 (MANE Select); coding-DNA position 196, G replaced by A.
Protein change: p.Val66Met; replaces valine 66 with methionine.
Molecular consequence: missense variant.
Genome position (GRCh38, 1-based): chr7:56,104,330, C>T on the plus strand (G>A on the coding strand, the complement: CHCHD2 is on the minus strand). VCF-style: chr7-56104330-C-T. GRCh37 (hg19) VCF-style: chr7-56172023-C-T.
Other names: c.196G>A, p.Val66Met (NM_001320327.2); short protein forms V66M.
Identifiers: ClinVar variation 3388679 (VCV003388679.14).

ClinVar aggregate classification (germline): Uncertain significance (1 of 4 stars; one submission).

Submission:

CeGaT Center for Human Genetics Tuebingen
Classification: Uncertain significance. Last evaluated: 2024-11-01. Review status: criteria provided, single submitter. Criteria: CeGaT Center For Human Genetics Tuebingen Variant Classification Criteria Version 2. Collection method: clinical testing. Allele origin: germline. Affected: yes. Observed: 1 variant allele.
Comment: CHCHD2: PM2, PS4:Supporting